The following is an entry in ClinVar:

NM_022489.4(INF2):c.3325C>T (p.Gln1109Ter)

Gene: INF2 (inverted formin 2; plus strand). Cytogenetic location: 14q32.33.
Variant type: single nucleotide variant.
Coding change: c.3325C>T on transcript NM_022489.4 (MANE Select); coding-DNA position 3325, C replaced by T.
Protein change: p.Gln1109Ter; replaces glutamine 1109 with a stop codon.
Molecular consequence: nonsense.
Genome position (GRCh38, 1-based): chr14:104,714,487, C>T. VCF-style: chr14-104714487-C-T. GRCh37 (hg19) VCF-style: chr14-105180824-C-T.
Other names: c.3325C>T, p.Gln1109Ter (NM_001031714.4, NM_001426862.1, NM_001426863.1 and 2 more transcripts); short protein forms Q1109*.
Identifiers: ClinVar variation 2934107 (VCV002934107.3), dbSNP rs1346449763, ClinGen allele CA391224113.
Genomic context (GRCh38, chr14:104,714,487, plus strand): 5'-GAGGATCCCCAGTGCCCCCAGCCCTTGGAGGGGGCCTGGCCGGTGACTCTGGGAGATGCT[C>T]AGGCCCTGAAGCCCCTCAAGTTCTCCAGCAACCAGCCCCCTGCAGCCGGAAGTTCAAGGC-3'

ClinVar aggregate classification (germline): Uncertain significance (1 of 4 stars; one submission).

Conditions:
Focal segmental glomerulosclerosis 5 (FSGS5). Identifiers: Orphanet 656, MedGen C2750475, MONDO:0013191, OMIM 613237.
Charcot-Marie-Tooth disease dominant intermediate E. Also called: CHARCOT-MARIE-TOOTH NEUROPATHY WITH FOCAL SEGMENTAL GLOMERULONEPHRITIS. Identifiers: Orphanet 93114, MedGen C4302667, MONDO:0013758, OMIM 614455.

Submission:

Labcorp Genetics (formerly Invitae), Labcorp
Classification: Uncertain significance for Charcot-Marie-Tooth disease dominant intermediate E; Focal segmental glomerulosclerosis 5. Last evaluated: 2022-12-25. Review status: criteria provided, single submitter. Criteria: Invitae Variant Classification Sherloc (09022015). Collection method: clinical testing. Allele origin: germline.
Comment: In summary, the available evidence is currently insufficient to determine the role of this variant in disease. Therefore, it has been classified as a Variant of Uncertain Significance. This variant has not been reported in the literature in individuals affected with INF2-related conditions. This variant is not present in population databases (gnomAD no frequency). This sequence change creates a premature translational stop signal (p.Gln1109*) in the INF2 gene. It is expected to result in an absent or disrupted protein product. However, the current clinical and genetic evidence is not sufficient to establish whether loss-of-function variants in INF2 cause disease.